The following is an entry in ClinVar:

NM_001103.4(ACTN2):c.968T>G (p.Phe323Cys)

Gene: ACTN2 (actinin alpha 2; plus strand). Cytogenetic location: 1q43.
Variant type: single nucleotide variant.
Coding change: c.968T>G on transcript NM_001103.4 (MANE Select); coding-DNA position 968, T replaced by G.
Protein change: p.Phe323Cys; replaces phenylalanine 323 with cysteine.
Molecular consequence: missense variant. On other transcripts: non-coding transcript variant (1).
Genome position (GRCh38, 1-based): chr1:236,739,393, T>G. VCF-style: chr1-236739393-T-G. GRCh37 (hg19) VCF-style: chr1-236902693-T-G.
Other names: c.968T>G, p.Phe323Cys (NM_001278343.2); short protein forms F323C.
Identifiers: ClinVar variation 4879805 (VCV004879805.2).
Genomic context (GRCh38, chr1:236,739,393, plus strand): 5'-GGCTGGAGAACCGGACTCCCGAGAAGACCATGCAAGCCATGCAGAAGAAGCTGGAGGACT[T>G]CCGGGATTACCGCCGGAAGCACAAGCCACCCAAGGTGCAGGAGAAATGCCAGCTGGAGAT-3'
Protein context (NP_001094.1, residues 313-333): MQAMQKKLED[Phe323Cys]RDYRRKHKPP

ClinVar aggregate classification (germline): Uncertain significance. Review status: criteria provided, multiple submitters, no conflicts (2 of 4 stars). 2 submissions from 2 submitters: Uncertain significance (2). Last evaluated 2026-05-26.

Conditions:
Dilated cardiomyopathy 1AA (CMD1AA). Also called: CARDIOMYOPATHY, DILATED, 1AA, WITH OR WITHOUT LEFT VENTRICULAR NONCOMPACTION; CARDIOMYOPATHY, FAMILIAL HYPERTROPHIC, 23, WITH OR WITHOUT LEFT VENTRICULAR NONCOMPACTION; Cardiomyopathy, dilated, 1AA, with or without LVNC. Identifiers: Orphanet 154, MedGen C2677338, MONDO:0012808, OMIM 612158.

gnomAD v4.1: 4 of 1,613,948 alleles (0.00025%); highest among the groups gnomAD compares: Non-Finnish European, 0.00034%; no homozygotes.

Submissions (2):

Victorian Clinical Genetics Services, Murdoch Childrens Research Institute
Classification: Uncertain significance for Dilated cardiomyopathy 1AA. Last evaluated: 2026-05-26. Review status: criteria provided, single submitter. Criteria: ACMG Guidelines, 2015. Collection method: clinical testing. Allele origin: germline. Affected: yes.
Comment: This variant is classified as VUS-3A. Evidence in support of pathogenic classification: Variant is present in gnomAD <0.001 for a dominant condition (v4: 4 heterozygote(s), 0 homozygote(s)); Missense variant predicted to be damaging by in silico tool(s) or highly conserved with a major amino acid change. Additional information: Variant is predicted to result in a missense amino acid change from Phe to Cys; This variant is heterozygous; This gene is associated with autosomal dominant disease; Alternative amino acid change(s) at the same position are present in gnomAD (highest allele count: v4: 1 heterozygote(s), 0 homozygote(s)); This variant has no previous evidence of pathogenicity; No published evidence of segregation with disease has been identified for this variant; No published functional evidence has been identified for this variant; No comparable missense variants have previous evidence for pathogenicity; Variant is located in the annotated spectrin repeat domain (DECIPHER). - Loss of function is a known mechanism of disease in this gene and is associated with ACTN2-related cardiac and skeletal myopathy (MONDO:0700349) (OMIM, ClinGen). Dominant negative has also been suggested for one in-frame deletion (PMID: 34802252); Variants in this gene are known to have variable expressivity (PMID: 36116040); Inheritance information for this variant is not currently available in this individual.

Blueprint Genetics
Classification: Uncertain significance. Last evaluated: 2024-11-14. Review status: criteria provided, single submitter. Criteria: ACMG Guidelines, 2015. Collection method: clinical testing. Allele origin: germline.

Literature cited by the submitters: PubMed 36116040 (cited by Victorian Clinical Genetics Services, Murdoch Childrens Research Institute); PubMed 34802252 (cited by Victorian Clinical Genetics Services, Murdoch Childrens Research Institute).